The following is an entry in ClinVar:

NM_003850.3(SUCLA2):c.1011T>A (p.Leu337=)

Gene: SUCLA2 (succinate-CoA ligase ADP-forming subunit beta; minus strand). Cytogenetic location: 13q14.2.
Variant type: single nucleotide variant.
Coding change: c.1011T>A on transcript NM_003850.3 (MANE Select); coding-DNA position 1011, T replaced by A.
Protein change: p.Leu337=; no amino-acid change (leucine 337 retained).
Molecular consequence: synonymous variant.
Genome position (GRCh38, 1-based): chr13:47,954,236, A>T on the plus strand (T>A on the coding strand, the complement: SUCLA2 is on the minus strand). VCF-style: chr13-47954236-A-T. GRCh37 (hg19) VCF-style: chr13-48528371-A-T.
Identifiers: ClinVar variation 3045239 (VCV003045239.4), dbSNP rs1432899624, ClinGen allele CA483739609.

ClinVar aggregate classification (germline): Likely benign. Review status: criteria provided, single submitter (1 of 4 stars). 2 submissions from 2 submitters: Likely benign (1). 1 of the submissions does not count toward it. Last evaluated 2024-02-22.

Conditions:
SUCLA2-related disorder. Also called: SUCLA2-related condition.
Mitochondrial DNA depletion syndrome, encephalomyopathic form with methylmalonic aciduria (MTDPS5). Also called: MITOCHONDRIAL DNA DEPLETION SYNDROME, ENCEPHALOMYOPATHIC FORM, WITH OR WITHOUT METHYLMALONIC ACIDURIA, AUTOSOMAL RECESSIVE, SUCLA2-RELATED; Mitochondrial DNA depletion syndrome 5 (encephalomyopathic with or without methylmalonic aciduria); SUCLA2-Related Mitochondrial DNA Depletion Syndrome, Encephalomyopathic Form with Methylmalonic Aciduria; Mitochondrial encephalomyopathy aminoacidopathy. Identifiers: Orphanet 1933, MedGen C5980207, MONDO:0012791, OMIM 612073.

Submissions (2):

Labcorp Genetics (formerly Invitae), Labcorp
Classification: Likely benign for Mitochondrial DNA depletion syndrome, encephalomyopathic form with methylmalonic aciduria. Last evaluated: 2024-02-22. Review status: criteria provided, single submitter. Criteria: Invitae Variant Classification Sherloc (09022015). Collection method: clinical testing. Allele origin: germline.

PreventionGenetics, part of Exact Sciences
Classification: Likely benign for SUCLA2-related condition. Last evaluated: 2020-04-20. Review status: no assertion criteria provided. Collection method: clinical testing. Allele origin: germline. Not counted in ClinVar's aggregate classification.
Comment: This variant is classified as likely benign based on ACMG/AMP sequence variant interpretation guidelines (Richards et al. 2015 PMID: 25741868, with internal and published modifications).